The following is an entry in ClinVar:

ClinVar aggregate classification (germline): Uncertain significance (1 of 4 stars; one submission).

Conditions:
Melnick-Needles syndrome (MNS). Also called: MELNICK-NEEDLES OSTEODYSPLASTY; OSTEODYSPLASTY OF MELNICK AND NEEDLES; Melnick-Needles Syndrome (FLNA-MNS). Identifiers: Orphanet 2484, MedGen C0025237, MONDO:0010650, OMIM 309350.
Frontometaphyseal dysplasia (FMD1). Identifiers: Orphanet 1826, MedGen C0265293, MONDO:0015942.
Heterotopia, periventricular, X-linked dominant (PVNH1). Also called: PERIVENTRICULAR NODULAR HETEROTOPIA 1; X-linked periventricular heterotopia; PERIVENTRICULAR NODULAR HETEROTOPIA 4; HETEROTOPIA, PERIVENTRICULAR, 1. Identifiers: Orphanet 2149, Orphanet 82004, MedGen C1848213, MONDO:0010233, OMIM 300049.
Oto-palato-digital syndrome, type II (OPD2). Also called: FACIOPALATOOSSEOUS SYNDROME; OPD II SYNDROME; Otopalatodigital Syndrome, Type II; Otopalatodigital Syndrome Type 2 (FLNA-OPD2). Identifiers: Orphanet 669, Orphanet 90652, MedGen C1844696, MONDO:0010571, OMIM 304120.

Submission:

Labcorp Genetics (formerly Invitae), Labcorp
Classification: Uncertain significance for Oto-palato-digital syndrome, type II; Heterotopia, periventricular, X-linked dominant; Frontometaphyseal dysplasia; Melnick-Needles syndrome. Last evaluated: 2024-04-08. Review status: criteria provided, single submitter. Criteria: Invitae Variant Classification Sherloc (09022015). Collection method: clinical testing. Allele origin: germline.
Comment: This sequence change replaces aspartic acid, which is acidic and polar, with asparagine, which is neutral and polar, at codon 653 of the FLNA protein (p.Asp653Asn). This variant is not present in population databases (gnomAD no frequency). This variant has not been reported in the literature in individuals affected with FLNA-related conditions. Advanced modeling of protein sequence and biophysical properties (such as structural, functional, and spatial information, amino acid conservation, physicochemical variation, residue mobility, and thermodynamic stability) has been performed at Invitae for this missense variant, however the output from this modeling did not meet the statistical confidence thresholds required to predict the impact of this variant on FLNA protein function. In summary, the available evidence is currently insufficient to determine the role of this variant in disease. Therefore, it has been classified as a Variant of Uncertain Significance.

NM_001110556.2(FLNA):c.1957G>A (p.Asp653Asn)

Gene: FLNA (filamin A; minus strand). Cytogenetic location: Xq28.
Variant type: single nucleotide variant.
Coding change: c.1957G>A on transcript NM_001110556.2 (MANE Select); coding-DNA position 1957, G replaced by A.
Protein change: p.Asp653Asn; replaces aspartic acid 653 with asparagine.
Molecular consequence: missense variant.
Genome position (GRCh38, 1-based): chrX:154,364,591, C>T on the plus strand (G>A on the coding strand, the complement: FLNA is on the minus strand). VCF-style: chrX-154364591-C-T. GRCh37 (hg19) VCF-style: chrX-153592959-C-T.
Other names: c.1957G>A, p.Asp653Asn (NM_001456.4); short protein forms D653N.
Identifiers: ClinVar variation 3754010 (VCV003754010.2).